The following is an entry in ClinVar:

NM_000127.3(EXT1):c.747del (p.Phe250_Leu251insTer)

Gene: EXT1 (exostosin glycosyltransferase 1; minus strand). Cytogenetic location: 8q24.11.
Variant type: Deletion.
Coding change: c.747del on transcript NM_000127.3 (MANE Select); coding-DNA position 747, one base deleted (G; older notation c.747delG).
Protein change: p.Phe250_Leu251insTer.
Molecular consequence: frameshift variant.
Genome position (GRCh38, 1-based): chr8:118,110,300, C deleted on the plus strand (G on the coding strand, the reverse complement: EXT1 is on the minus strand); the first of 5 consecutive C bases (chr8:118,110,300-118,110,304); deleting any one gives the same sequence. VCF-style (leftmost placement, unchanged base first): chr8-118110299-AC-A. GRCh37 (hg19) VCF-style: chr8-119122538-AC-A.
Other names: c.747del (NM_000127.2).
Identifiers: ClinVar variation 1457654 (VCV001457654.11), dbSNP rs1817872132, ClinGen allele CA2573142827.

ClinVar aggregate classification (germline): Pathogenic. Review status: criteria provided, multiple submitters, no conflicts (2 of 4 stars). 2 submissions from 2 submitters: Pathogenic (2). Last evaluated 2025-10-08.

Conditions:
Multiple congenital exostosis (EXT). Also called: Multiple osteochondromas; MULTIPLE CARTILAGINOUS EXOSTOSES; Hereditary multiple exostoses; Hereditary multiple exostosis; Hereditary multiple osteochondromas; Multiple exostoses. Identifiers: Orphanet 321, MedGen C0015306, MONDO:0005508, HP:0002762.
Exostoses, multiple, type 1 (EXT1). Also called: Hereditary Multiple Osteochondromatosis, Type I; EXOSTOSES, MULTIPLE, TYPE I. Identifiers: MedGen CN263289, MONDO:0007585, OMIM 133700.

Submissions (2):

Labcorp Genetics (formerly Invitae), Labcorp
Classification: Pathogenic for Multiple congenital exostosis. Last evaluated: 2025-10-08. Review status: criteria provided, single submitter. Criteria: Invitae Variant Classification Sherloc (09022015). Collection method: clinical testing. Allele origin: germline.
Comment: This sequence change creates a premature translational stop signal (p.Leu251*) in the EXT1 gene. It is expected to result in an absent or disrupted protein product. Loss-of-function variants in EXT1 are known to be pathogenic (PMID: 10679937, 11391482, 19810120). This variant is not present in population databases (gnomAD no frequency). This premature translational stop signal has been observed in individual(s) with single or multiple osteochondromas (PMID: 23262345, 25230886). ClinVar contains an entry for this variant (Variation ID: 1457654). For these reasons, this variant has been classified as Pathogenic.

Juno Genomics, Hangzhou Juno Genomics, Inc
Classification: Pathogenic for Exostoses, multiple, type 1. Review status: criteria provided, single submitter. Criteria: ACMG Guidelines, 2015. Collection method: clinical testing. Allele origin: germline. Affected: yes.
Comment: Null variant in a gene where loss of function (LOF) is a known mechanism of disease.;Absent from controls (or at extremely low frequency if recessive) in Genome Aggregation Database, Exome Sequencing Project, 1000 Genomes Project, or Exome Aggregation Consortium.;The prevalence of the variant in affected individuals is significantly increased compared to the prevalence in controls.

Literature cited by the submitters: PubMed 10679937 (cited by Labcorp Genetics (formerly Invitae), Labcorp); PubMed 11391482 (cited by Labcorp Genetics (formerly Invitae), Labcorp); PubMed 19810120 (cited by Labcorp Genetics (formerly Invitae), Labcorp); PubMed 23262345 (cited by Labcorp Genetics (formerly Invitae), Labcorp); PubMed 25230886 (cited by Labcorp Genetics (formerly Invitae), Labcorp).